The following is an entry in ClinVar:

ClinVar aggregate classification (germline): Uncertain significance (1 of 4 stars; one submission).

gnomAD v4.1: 24 of 1,613,976 alleles (0.0015%); highest among the groups gnomAD compares: South Asian, 0.018%; no homozygotes.

Submission:

Labcorp Genetics (formerly Invitae), Labcorp
Classification: Uncertain significance. Last evaluated: 2025-12-01. Review status: criteria provided, single submitter. Criteria: Invitae Variant Classification Sherloc (09022015). Collection method: clinical testing. Allele origin: germline.
Comment: This sequence change replaces arginine, which is basic and polar, with histidine, which is basic and polar, at codon 1081 of the EGF protein (p.Arg1081His). This variant is present in population databases (rs778541371, gnomAD 0.03%). This variant has not been reported in the literature in individuals affected with EGF-related conditions. An algorithm developed to predict the effect of missense changes on protein structure and function outputs the following: PolyPhen-2: "Benign". The histidine amino acid residue is found in multiple mammalian species, which suggests that this missense change does not adversely affect protein function. In summary, the available evidence is currently insufficient to determine the role of this variant in disease. Therefore, it has been classified as a Variant of Uncertain Significance.

NM_001963.6(EGF):c.3242G>A (p.Arg1081His)

Gene: EGF (epidermal growth factor; plus strand). Cytogenetic location: 4q25.
Variant type: single nucleotide variant.
Coding change: c.3242G>A on transcript NM_001963.6 (MANE Select); coding-DNA position 3242, G replaced by A.
Protein change: p.Arg1081His; replaces arginine 1081 with histidine.
Molecular consequence: missense variant.
Genome position (GRCh38, 1-based): chr4:110,004,573, G>A. VCF-style: chr4-110004573-G-A. GRCh37 (hg19) VCF-style: chr4-110925729-G-A.
Other names: c.3119G>A, p.Arg1040His (NM_001178130.3); c.3116G>A, p.Arg1039His (NM_001178131.3); c.2873G>A, p.Arg958His (NM_001357021.2); short protein forms R1039H, R1081H, R958H, R1040H.
Identifiers: ClinVar variation 4750028 (VCV004750028.1).